The following is an entry in ClinVar:

NM_001375524.1(TRRAP):c.8422A>G (p.Lys2808Glu)

Gene: TRRAP (transformation/transcription domain associated protein; plus strand). Cytogenetic location: 7q22.1.
Variant type: single nucleotide variant.
Coding change: c.8422A>G on transcript NM_001375524.1 (MANE Select); coding-DNA position 8422, A replaced by G.
Protein change: p.Lys2808Glu; replaces lysine 2808 with glutamic acid.
Molecular consequence: missense variant.
Genome position (GRCh38, 1-based): chr7:98,978,247, A>G. VCF-style: chr7-98978247-A-G. GRCh37 (hg19) VCF-style: chr7-98575870-A-G.
Other names: c.8401A>G, p.Lys2801Glu (NM_001244580.2); c.8347A>G, p.Lys2783Glu (NM_003496.4); short protein forms K2808E, K2783E, K2801E.
Identifiers: ClinVar variation 3648436 (VCV003648436.2).

ClinVar aggregate classification (germline): Uncertain significance (1 of 4 stars; one submission).

gnomAD v4.1: 2 of 1,614,042 alleles (0.00012%); highest among the groups gnomAD compares: East Asian, 0.0022%; no homozygotes.

Submission:

Labcorp Genetics (formerly Invitae), Labcorp
Classification: Uncertain significance. Last evaluated: 2024-04-02. Review status: criteria provided, single submitter. Criteria: Invitae Variant Classification Sherloc (09022015). Collection method: clinical testing. Allele origin: germline.
Comment: This sequence change replaces lysine, which is basic and polar, with glutamic acid, which is acidic and polar, at codon 2783 of the TRRAP protein (p.Lys2783Glu). This variant is not present in population databases (gnomAD no frequency). This variant has not been reported in the literature in individuals affected with TRRAP-related conditions. An algorithm developed to predict the effect of missense changes on protein structure and function (PolyPhen-2) suggests that this variant is likely to be tolerated. In summary, the available evidence is currently insufficient to determine the role of this variant in disease. Therefore, it has been classified as a Variant of Uncertain Significance.